The following is an entry in ClinVar:

NM_015512.5(DNAH1):c.7646A>G (p.Asn2549Ser)

Gene: DNAH1 (dynein axonemal heavy chain 1; plus strand). Cytogenetic location: 3p21.1.
Variant type: single nucleotide variant.
Coding change: c.7646A>G on transcript NM_015512.5 (MANE Select); coding-DNA position 7646, A replaced by G.
Protein change: p.Asn2549Ser; replaces asparagine 2549 with serine.
Molecular consequence: missense variant.
Genome position (GRCh38, 1-based): chr3:52,381,677, A>G. VCF-style: chr3-52381677-A-G. GRCh37 (hg19) VCF-style: chr3-52415693-A-G.
Other names: short protein forms N2549S.
Identifiers: ClinVar variation 544631 (VCV000544631.8), dbSNP rs199694029, ClinGen allele CA2434941.
Genomic context (GRCh38, chr3:52,381,677, plus strand): 5'-CCCATCCTCGCCTTGGTGCACAGATGATGCAGGTGATAGAGGAGTACATAGAGGACTACA[A>G]CCAGATCAACACGGCCAAGCTGAAGCTGGTCCTCTTCATGGACGCCATGAGCCACATCTG-3'
Protein context (NP_056327.4, residues 2539-2559): QVIEEYIEDY[Asn2549Ser]QINTAKLKLV

ClinVar aggregate classification (germline): Uncertain significance. Review status: criteria provided, multiple submitters, no conflicts (2 of 4 stars). 3 submissions from 3 submitters: Uncertain significance (3). Last evaluated 2022-07-28.

Conditions:
Spermatogenic failure 18. Identifiers: MedGen C4539783, MONDO:0054615, OMIM 617576.
Ciliary dyskinesia, primary, 37 (CILD37). Also called: CILIARY DYSKINESIA, PRIMARY, 37, WITH OR WITHOUT SITUS INVERSUS. Identifiers: MedGen C4539798, MONDO:0033204, OMIM 617577.
Primary ciliary dyskinesia. Also called: Ciliary dyskinesia. Identifiers: Orphanet 244, MedGen C0008780, MONDO:0016575, HP:0012265.

Allele frequency attached by ClinVar (database versions not stated): gnomAD exomes 0.00033 and 0.00060; TOPMed 0.00037; gnomAD 0.00041 and 0.00042; ExAC 0.00053; ESP Exome Variant Server 0.00055.
gnomAD v4.1: 913 of 1,608,758 alleles (0.057%); highest among the groups gnomAD compares: Non-Finnish European, 0.076%; no homozygotes.

Submissions (3):

Labcorp Genetics (formerly Invitae), Labcorp
Classification: Uncertain significance for Ciliary dyskinesia, primary, 37; Spermatogenic failure 18. Last evaluated: 2022-07-28. Review status: criteria provided, single submitter. Criteria: Invitae Variant Classification Sherloc (09022015). Collection method: clinical testing. Allele origin: germline.
Comment: This sequence change replaces asparagine, which is neutral and polar, with serine, which is neutral and polar, at codon 2549 of the DNAH1 protein (p.Asn2549Ser). This variant is present in population databases (rs199694029, gnomAD 0.07%). This variant has not been reported in the literature in individuals affected with DNAH1-related conditions. ClinVar contains an entry for this variant (Variation ID: 544631). Algorithms developed to predict the effect of missense changes on protein structure and function are either unavailable or do not agree on the potential impact of this missense change (SIFT: "Deleterious"; PolyPhen-2: "Probably Damaging"; Align-GVGD: "Class C0"). In summary, the available evidence is currently insufficient to determine the role of this variant in disease. Therefore, it has been classified as a Variant of Uncertain Significance.

Ambry Genetics
Classification: Uncertain significance. Last evaluated: 2021-10-12. Review status: criteria provided, single submitter. Criteria: Ambry Variant Classification Scheme 2023. Collection method: clinical testing. Allele origin: germline.

UNC Molecular Genetics  Laboratory, University of North Carolina at Chapel Hill
Classification: Uncertain significance for Primary ciliary dyskinesia. Last evaluated: 2018-07-30. Review status: criteria provided, single submitter. Criteria: ACMG Guidelines, 2015. Collection method: clinical testing. Allele origin: germline. Observed: 1 compound heterozygote.